The following is an entry in ClinVar:

ClinVar aggregate classification (germline): Likely pathogenic. Review status: criteria provided, multiple submitters, no conflicts (2 of 4 stars). 2 submissions from 2 submitters: Likely pathogenic (2). Last evaluated 2025-02-28.

Conditions:
ALG6-congenital disorder of glycosylation 1C (CDG1C). Also called: CDG Ic; Congenital disorder of glycosylation type 1C; CARBOHYDRATE-DEFICIENT GLYCOPROTEIN SYNDROME, TYPE I, WITH DEFICIENT GLYCOSYLATION OF DOLICHOL-LINKED OLIGOSACCHARIDE; CARBOHYDRATE-DEFICIENT GLYCOPROTEIN SYNDROME, TYPE V; Congenital disorder of glycosylation, type Ic. Identifiers: Orphanet 79320, MedGen C2930997, MONDO:0011291, OMIM 603147.

Submissions (2):

Myriad Genetics, Inc.
Classification: Likely pathogenic for ALG6-congenital disorder of glycosylation 1C. Last evaluated: 2025-02-28. Review status: criteria provided, single submitter. Criteria: Myriad Autosomal Dominant, Autosomal Recessive and X-Linked Classification Criteria (2023). Collection method: clinical testing. Allele origin: unknown.
Comment: NM_013339.3(ALG6):c.495-2A>T is a variant in a canonical splice site classified as likely pathogenic in the context of congenital disorder of glycosylation type Ic. c.495-2A>T has not been observed in cases with relevant disease. Relevant functional assessments of this variant are not available in the literature. Internal structural analysis of the variant is supportive of pathogenicity. c.495-2A>T has not been observed in referenced population frequency databases. In summary, NM_013339.3(ALG6):c.495-2A>T is a variant in a canonical splice site that has internal structural support for pathogenicity and has been observed more frequently in cases with the relevant disease than in healthy populations. Please note: this variant was assessed in the context of healthy population screening.

Labcorp Genetics (formerly Invitae), Labcorp
Classification: Likely pathogenic for ALG6-congenital disorder of glycosylation 1C. Last evaluated: 2023-12-29. Review status: criteria provided, single submitter. Criteria: Invitae Variant Classification Sherloc (09022015). Collection method: clinical testing. Allele origin: germline.
Comment: This sequence change affects an acceptor splice site in intron 7 of the ALG6 gene. It is expected to disrupt RNA splicing. Variants that disrupt the donor or acceptor splice site typically lead to a loss of protein function (PMID: 16199547), and loss-of-function variants in ALG6 are known to be pathogenic (PMID: 19862844). This variant is not present in population databases (gnomAD no frequency). This variant has not been reported in the literature in individuals affected with ALG6-related conditions. ClinVar contains an entry for this variant (Variation ID: 1519101). In summary, the currently available evidence indicates that the variant is pathogenic, but additional data are needed to prove that conclusively. Therefore, this variant has been classified as Likely Pathogenic.

Literature cited by the submitters: PubMed 16199547 (cited by Labcorp Genetics (formerly Invitae), Labcorp); PubMed 19862844 (cited by Labcorp Genetics (formerly Invitae), Labcorp).

NM_013339.4(ALG6):c.495-2A>T

Gene: ALG6 (ALG6 alpha-1,3-glucosyltransferase; plus strand). Cytogenetic location: 1p31.3.
Variant type: single nucleotide variant.
Coding change: c.495-2A>T on transcript NM_013339.4 (MANE Select); the canonical splice acceptor site of the intron before coding-DNA position 495, A replaced by T.
Molecular consequence: splice acceptor variant.
Genome position (GRCh38, 1-based): chr1:63,411,144, A>T. VCF-style: chr1-63411144-A-T. GRCh37 (hg19) VCF-style: chr1-63876815-A-T.
Identifiers: ClinVar variation 1519101 (VCV001519101.7), dbSNP rs1227131990, ClinGen allele CA340634826.